The following is an entry in ClinVar:

ClinVar aggregate classification (germline): Uncertain significance (1 of 4 stars; one submission).

Submission:

Labcorp Genetics (formerly Invitae), Labcorp
Classification: Uncertain significance. Last evaluated: 2025-08-14. Review status: criteria provided, single submitter. Criteria: Invitae Variant Classification Sherloc (09022015). Collection method: clinical testing. Allele origin: germline.
Comment: This sequence change replaces histidine, which is basic and polar, with glutamine, which is neutral and polar, at codon 686 of the SAMD9L protein (p.His686Gln). This variant is not present in population databases (gnomAD no frequency). This variant has not been reported in the literature in individuals affected with SAMD9L-related conditions. ClinVar contains an entry for this variant (Variation ID: 3655875). Invitae Evidence Modeling of protein sequence and biophysical properties (such as structural, functional, and spatial information, amino acid conservation, physicochemical variation, residue mobility, and thermodynamic stability) indicates that this missense variant is not expected to disrupt SAMD9L protein function with a negative predictive value of 80%. In summary, the available evidence is currently insufficient to determine the role of this variant in disease. Therefore, it has been classified as a Variant of Uncertain Significance.

NM_152703.5(SAMD9L):c.2058C>A (p.His686Gln)

Gene: SAMD9L (sterile alpha motif domain containing 9 like; minus strand). Cytogenetic location: 7q21.2.
Variant type: single nucleotide variant.
Coding change: c.2058C>A on transcript NM_152703.5 (MANE Select); coding-DNA position 2058, C replaced by A.
Protein change: p.His686Gln; replaces histidine 686 with glutamine.
Molecular consequence: missense variant.
Genome position (GRCh38, 1-based): chr7:93,133,914, G>T on the plus strand (C>A on the coding strand, the complement: SAMD9L is on the minus strand). VCF-style: chr7-93133914-G-T. GRCh37 (hg19) VCF-style: chr7-92763227-G-T.
Other names: c.2058C>A, p.His686Gln (NM_001303496.3, NM_001303497.3, NM_001303498.3 and 5 more transcripts); short protein forms H686Q.
Identifiers: ClinVar variation 3655875 (VCV003655875.2).